The following is an entry in ClinVar:

ClinVar aggregate classification (germline): Benign (1 of 4 stars; one submission).

Conditions:
Miller syndrome (POADS). Also called: GENEE-WIEDEMANN SYNDROME; Genee-Wiedemann acrofacial dysostosis. Identifiers: Orphanet 246, MedGen C0265257, MONDO:0009903, OMIM 263750.

Allele frequency attached by ClinVar (database versions not stated): 1000 Genomes Project 30x 0.00547; 1000 Genomes Project 0.00559; gnomAD exomes 0.00521; TOPMed 0.01034; gnomAD 0.01248 and 0.01294.

Submission:

Illumina Laboratory Services, Illumina
Classification: Benign for Miller syndrome. Last evaluated: 2018-01-13. Review status: criteria provided, single submitter. Criteria: ICSL Variant Classification Criteria 13 December 2019. Collection method: clinical testing. Allele origin: germline.
Comment: This variant was observed in the ICSL laboratory as part of a predisposition screen in an ostensibly healthy population. It had not been previously curated by ICSL or reported in the Human Gene Mutation Database (HGMD: prior to June 1st, 2018), and was therefore a candidate for classification through an automated scoring system. Utilizing variant allele frequency, disease prevalence and penetrance estimates, and inheritance mode, an automated score was calculated to assess if this variant is too frequent to cause the disease. Based on the score and internal cut-off values, a variant classified as benign is not then subjected to further curation. The score for this variant resulted in a classification of benign for this disease.

NM_001361.5(DHODH):c.*748C>T

Gene: DHODH (dihydroorotate dehydrogenase (quinone); plus strand). Cytogenetic location: 16q22.2.
Variant type: single nucleotide variant.
Coding change: c.*748C>T on transcript NM_001361.5 (MANE Select); 748 bases downstream of the stop codon, C replaced by T.
Molecular consequence: 3 prime UTR variant.
Genome position (GRCh38, 1-based): chr16:72,024,947, C>T. VCF-style: chr16-72024947-C-T. GRCh37 (hg19) VCF-style: chr16-72058846-C-T.
Identifiers: ClinVar variation 320452 (VCV000320452.5), dbSNP rs117655998, ClinGen allele CA10644206.